The following is an entry in ClinVar:

NM_001655.5(ARCN1):c.802C>T (p.Pro268Ser)

Gene: ARCN1 (archain 1 coat protein complex I subunit delta; plus strand). Cytogenetic location: 11q23.3.
Variant type: single nucleotide variant.
Coding change: c.802C>T on transcript NM_001655.5 (MANE Select); coding-DNA position 802, C replaced by T.
Protein change: p.Pro268Ser; replaces proline 268 with serine.
Molecular consequence: missense variant. On other transcripts: non-coding transcript variant (2), intron variant (1).
Genome position (GRCh38, 1-based): chr11:118,584,628, C>T. VCF-style: chr11-118584628-C-T. GRCh37 (hg19) VCF-style: chr11-118455343-C-T.
Other names: c.538C>T, p.Pro180Ser (NM_001142281.2, NM_001425081.1); c.802C>T, p.Pro268Ser (NM_001425073.1, NM_001425078.1); c.799C>T, p.Pro267Ser (NM_001425074.1, NM_001425079.1); c.745C>T, p.Pro249Ser (NM_001425075.1); c.733C>T, p.Pro245Ser (NM_001425076.1); c.358C>T, p.Pro120Ser (NM_001425080.1); c.653+614C>T (NM_001425077.1); short protein forms P245S, P249S, P180S, P267S, P120S, P268S.
Identifiers: ClinVar variation 3682224 (VCV003682224.2).
Genomic context (GRCh38, chr11:118,584,628, plus strand): 5'-ACCATCATGTCCTCTAGTATGGGCAAGCGTACTTCTGAAGCAACCAAAATGCATGCTCCA[C>T]CCATTAATATGGAAAGGTAAGTAGGAACTTTGAGTAAGAATTCAAGCTTTGAATACAGTC-3'
Protein context (NP_001646.2, residues 258-278): TSEATKMHAP[Pro268Ser]INMESVHMKI

ClinVar aggregate classification (germline): Uncertain significance (1 of 4 stars; one submission).

gnomAD v4.1: 7 of 1,605,638 alleles (0.00044%); highest among the groups gnomAD compares: South Asian, 0.0011%; no homozygotes.

Submission:

Labcorp Genetics (formerly Invitae), Labcorp
Classification: Uncertain significance. Last evaluated: 2024-08-08. Review status: criteria provided, single submitter. Criteria: Invitae Variant Classification Sherloc (09022015). Collection method: clinical testing. Allele origin: germline.
Comment: This sequence change replaces proline, which is neutral and non-polar, with serine, which is neutral and polar, at codon 268 of the ARCN1 protein (p.Pro268Ser). This variant is not present in population databases (gnomAD no frequency). This variant has not been reported in the literature in individuals affected with ARCN1-related conditions. An algorithm developed to predict the effect of missense changes on protein structure and function (PolyPhen-2) suggests that this variant is likely to be tolerated. In summary, the available evidence is currently insufficient to determine the role of this variant in disease. Therefore, it has been classified as a Variant of Uncertain Significance.